The following is an entry in ClinVar:

ClinVar aggregate classification (germline): Uncertain significance. Review status: criteria provided, multiple submitters, no conflicts (2 of 4 stars). 3 submissions from 3 submitters: Uncertain significance (3). Last evaluated 2026-01-11.

Conditions:
Psoriasis 2. Identifiers: MedGen C1864497, MONDO:0011269, OMIM 602723.
Pityriasis rubra pilaris (PRP). Also called: Pityriasis rubra pilaris--familial type. Identifiers: Orphanet 2897, MedGen C0032027, MONDO:0100017, OMIM 173200, MONDO:0008251.
Inborn genetic diseases. Identifiers: MedGen C0950123, MeSH D030342.

Allele frequency attached by ClinVar (database versions not stated): gnomAD exomes 0.00004 and 0.00006; TOPMed 0.00004; ExAC 0.00006; gnomAD 0.00006 and 0.00007; ESP Exome Variant Server 0.00008.
gnomAD v4.1: 93 of 1,578,936 alleles (0.0059%); highest among the groups gnomAD compares: Non-Finnish European, 0.007%; no homozygotes.

Submissions (3):

Labcorp Genetics (formerly Invitae), Labcorp
Classification: Uncertain significance for Pityriasis rubra pilaris; Psoriasis 2. Last evaluated: 2026-01-11. Review status: criteria provided, single submitter. Criteria: Invitae Variant Classification Sherloc (09022015). Collection method: clinical testing. Allele origin: germline.
Comment: This sequence change replaces arginine, which is basic and polar, with histidine, which is basic and polar, at codon 182 of the CARD14 protein (p.Arg182His). This variant is present in population databases (rs149514734, gnomAD 0.006%). This variant has not been reported in the literature in individuals affected with CARD14-related conditions. ClinVar contains an entry for this variant (Variation ID: 569336). Invitae Evidence Modeling of protein sequence and biophysical properties (such as structural, functional, and spatial information, amino acid conservation, physicochemical variation, residue mobility, and thermodynamic stability) indicates that this missense variant is not expected to disrupt CARD14 protein function with a negative predictive value of 95%. In summary, the available evidence is currently insufficient to determine the role of this variant in disease. Therefore, it has been classified as a Variant of Uncertain Significance.

Ambry Genetics
Classification: Uncertain significance for Inborn genetic diseases. Last evaluated: 2025-08-26. Review status: criteria provided, single submitter. Criteria: Ambry Variant Classification Scheme 2023. Collection method: clinical testing. Allele origin: germline.

Blueprint Genetics
Classification: Uncertain significance. Last evaluated: 2024-08-22. Review status: criteria provided, single submitter. Criteria: ACMG Guidelines, 2015. Collection method: clinical testing. Allele origin: germline.

NM_001366385.1(CARD14):c.545G>A (p.Arg182His)

Gene: CARD14 (caspase recruitment domain family member 14; plus strand). Cytogenetic location: 17q25.3.
Variant type: single nucleotide variant.
Coding change: c.545G>A on transcript NM_001366385.1 (MANE Select); coding-DNA position 545, G replaced by A.
Protein change: p.Arg182His; replaces arginine 182 with histidine.
Molecular consequence: missense variant. On other transcripts: non-coding transcript variant (1).
Genome position (GRCh38, 1-based): chr17:80,184,108, G>A. VCF-style: chr17-80184108-G-A. GRCh37 (hg19) VCF-style: chr17-78157907-G-A.
Other names: c.545G>A, p.Arg182His (NM_001257970.1, NM_024110.4); c.545G>A (NM_024110.3); short protein forms R182H.
Identifiers: ClinVar variation 569336 (VCV000569336.11), dbSNP rs149514734, ClinGen allele CA8816445.
Genomic context (GRCh38, chr17:80,184,108, plus strand): 5'-TGGCCGAGACCCGTGCCGAGGGCCTGCACCAGCTGGAGGCTGACCACAGCCGCATGAAGC[G>A]TGAGGTTAGCGCACACTTCCATGAGGTGCTGAGGCTGAAGGACGAGATGCTCAGCCTCTC-3'
Protein context (NP_001353314.1, residues 172-192): QLEADHSRMK[Arg182His]EVSAHFHEVL